The following is an entry in ClinVar:

NM_004168.4(SDHA):c.320T>G (p.Ile107Ser)

Gene: SDHA (succinate dehydrogenase complex flavoprotein subunit A; plus strand). Cytogenetic location: 5p15.33.
Variant type: single nucleotide variant.
Coding change: c.320T>G on transcript NM_004168.4 (MANE Select); coding-DNA position 320, T replaced by G.
Protein change: p.Ile107Ser; replaces isoleucine 107 with serine.
Molecular consequence: missense variant. On other transcripts: intron variant (1).
Genome position (GRCh38, 1-based): chr5:225,426, T>G. VCF-style: chr5-225426-T-G. GRCh37 (hg19) VCF-style: chr5-225541-T-G.
Other names: c.320T>G, p.Ile107Ser (NM_001330758.2); c.313-457T>G (NM_001294332.2); short protein forms I107S.
Identifiers: ClinVar variation 964624 (VCV000964624.10), dbSNP rs1734953616, ClinGen allele CA359009193.

ClinVar aggregate classification (germline): Uncertain significance (1 of 4 stars; one submission).

Conditions:
Mitochondrial complex II deficiency, nuclear type 1. Also called: SUCCINATE CoQ REDUCTASE DEFICIENCY. Identifiers: Orphanet 3208, MedGen C5700310, MONDO:0100294, OMIM 252011.
Pheochromocytoma/paraganglioma syndrome 5. Also called: Paragangliomas 5; SDHA-Related Hereditary Paraganglioma-Pheochromocytoma Syndrome. Identifiers: Orphanet 29072, MedGen C3279992, MONDO:0013602, OMIM 614165.

Submission:

Labcorp Genetics (formerly Invitae), Labcorp
Classification: Uncertain significance for Pheochromocytoma/paraganglioma syndrome 5; Mitochondrial complex II deficiency, nuclear type 1. Last evaluated: 2019-10-16. Review status: criteria provided, single submitter. Criteria: Invitae Variant Classification Sherloc (09022015). Collection method: clinical testing. Allele origin: germline.
Comment: In summary, the available evidence is currently insufficient to determine the role of this variant in disease. Therefore, it has been classified as a Variant of Uncertain Significance. Algorithms developed to predict the effect of missense changes on protein structure and function (SIFT, PolyPhen-2, Align-GVGD) all suggest that this variant is likely to be disruptive, but these predictions have not been confirmed by published functional studies and their clinical significance is uncertain. This variant has not been reported in the literature in individuals with SDHA-related conditions. This variant is not present in population databases (ExAC no frequency). This sequence change replaces isoleucine with serine at codon 107 of the SDHA protein (p.Ile107Ser). The isoleucine residue is highly conserved and there is a large physicochemical difference between isoleucine and serine.